The following is an entry in ClinVar:

ClinVar aggregate classification (germline): Conflicting classifications of pathogenicity. Review status: criteria provided, conflicting classifications (1 of 4 stars). 6 submissions from 6 submitters: Uncertain significance (4); Likely benign (1). 1 of the submissions does not count toward it. Last evaluated 2024-08-23.

Conditions:
Hereditary cancer-predisposing syndrome. Also called: Tumor predisposition; Hereditary Cancer Syndrome; Neoplastic Syndromes, Hereditary; Hereditary neoplastic syndrome. Identifiers: Orphanet 140162, MedGen C0027672, MeSH D009386, MONDO:0015356.
Breast-ovarian cancer, familial, susceptibility to, 1 (BROVCA1). Also called: BRCA1 Hereditary Breast and Ovarian Cancer; OVARIAN CANCER, SUSCEPTIBILITY TO. Identifiers: Orphanet 145, MedGen C2676676, MONDO:0011450, OMIM 604370. Disease mechanism: loss of function.
Hereditary breast ovarian cancer syndrome. Also called: Breast and ovarian cancer; Hereditary breast and ovarian cancer; Hereditary breast and ovarian cancer syndrome; Hereditary breast and/or ovarian cancer syndrome; BRCA1- and BRCA2-Associated Hereditary Breast and Ovarian Cancer; Hereditary breast and ovarian cancer syndrome (HBOC). Identifiers: Orphanet 145, MedGen C0677776, MeSH D061325, MONDO:0003582. Disease mechanism: loss of function.
BRCA1-related cancer predisposition. Identifiers: MedGen CN377757, MONDO:0700268.

Allele frequency attached by ClinVar (database versions not stated): gnomAD exomes below 0.00001 and 0.00001; ExAC 0.00002; TOPMed 0.00002.
gnomAD v4.1: 7 of 1,614,152 alleles (0.00043%); highest among the groups gnomAD compares: Non-Finnish European, 0.00059%; no homozygotes.

Submissions (6):

All of Us Research Program, National Institutes of Health
Classification: Uncertain significance for BRCA1-related cancer predisposition. Last evaluated: 2024-08-23. Review status: criteria provided, single submitter. Criteria: ACMG Guidelines, 2015. Collection method: clinical testing. Allele origin: germline. Inheritance: Autosomal dominant inheritance. Observed: 3 variant alleles, 3 heterozygotes.
Comment: This missense variant replaces leucine with phenylalanine at codon 1439 of the BRCA1 protein. Computational prediction suggests that this variant may not impact protein structure and function (internally defined REVEL score threshold <= 0.5, PMID: 27666373). Functional studies have shown that this variant results in decreased protein expression, stability, and BARD1 interaction, as well as decreased homologous recombination repair activity, but does not impact transcriptional activation activity (PMID: 36833189, 37085799). To our knowledge, this variant has not been reported in individuals affected with BRCA1-related disorders in the literature. This variant has been reported in an individual affected with colorectal cancer (PMID: 29458332). This variant has been identified in 3/251406 chromosomes in the general population by the Genome Aggregation Database (gnomAD). The available evidence is insufficient to determine the role of this variant in disease conclusively. Therefore, this variant is classified as a Variant of Uncertain Significance.

This study involves interpretation of variants in research participants for the purpose of population health screening. Participant phenotype was not available at the time of variant classification. Additional details can be found in publication PMID: 35346344, PMCID: PMC8962531

Color Diagnostics, LLC DBA Color Health
Classification: Uncertain significance for Hereditary cancer-predisposing syndrome. Last evaluated: 2024-08-08. Review status: criteria provided, single submitter. Criteria: ACMG Guidelines, 2015. Collection method: clinical testing. Allele origin: germline.
Comment: This missense variant replaces leucine with phenylalanine at codon 1439 of the BRCA1 protein. Computational prediction suggests that this variant may not impact protein structure and function. Functional studies have shown that this variant results in decreased protein expression, stability, and BARD1 interaction, as well as decreased homologous recombination repair activity, but does not impact transcriptional activation activity (PMID: 36833189, 37085799). To our knowledge, this variant has not been reported in individuals affected with BRCA1-related disorders in the literature. This variant has been reported in an individual affected with colorectal cancer (PMID: 29458332). This variant has been identified in 3/251406 chromosomes in the general population by the Genome Aggregation Database (gnomAD). The available evidence is insufficient to determine the role of this variant in disease conclusively. Therefore, this variant is classified as a Variant of Uncertain Significance.

Ambry Genetics
Classification: Uncertain significance for Hereditary cancer-predisposing syndrome. Last evaluated: 2024-06-08. Review status: criteria provided, single submitter. Criteria: Ambry Variant Classification Scheme 2023. Collection method: clinical testing. Allele origin: germline.
Comment: The p.L1439F variant (also known as c.4315C>T), located in coding exon 11 of the BRCA1 gene, results from a C to T substitution at nucleotide position 4315. The leucine at codon 1439 is replaced by phenylalanine, an amino acid with highly similar properties. This alteration was identified in an individual with colorectal cancer meeting Bethesda or Amsterdam Criteria (Dominguez-Valentin M et al. BMC Med. Genet., 2018 02;19:26). This amino acid position is poorly conserved in available vertebrate species. In addition, this alteration is predicted to be tolerated by in silico analysis. Since supporting evidence is limited at this time, the clinical significance of this alteration remains unclear.

Labcorp Genetics (formerly Invitae), Labcorp
Classification: Uncertain significance for Hereditary breast ovarian cancer syndrome. Last evaluated: 2024-06-04. Review status: criteria provided, single submitter. Criteria: Invitae Variant Classification Sherloc (09022015). Collection method: clinical testing. Allele origin: germline.
Comment: This sequence change replaces leucine, which is neutral and non-polar, with phenylalanine, which is neutral and non-polar, at codon 1439 of the BRCA1 protein (p.Leu1439Phe). This variant is present in population databases (rs781260818, gnomAD 0.003%). This missense change has been observed in individual(s) with a personal and/or family history of breast or ovarian cancer (PMID: 34981296). ClinVar contains an entry for this variant (Variation ID: 216668). Advanced modeling of protein sequence and biophysical properties (such as structural, functional, and spatial information, amino acid conservation, physicochemical variation, residue mobility, and thermodynamic stability) performed at Invitae indicates that this missense variant is not expected to disrupt BRCA1 protein function with a negative predictive value of 95%. Experimental studies have shown that this missense change affects BRCA1 function (PMID: 36833189). In summary, the available evidence is currently insufficient to determine the role of this variant in disease. Therefore, it has been classified as a Variant of Uncertain Significance.

GeneDx
Classification: Likely benign. Last evaluated: 2015-10-02. Review status: criteria provided, single submitter. Criteria: GeneDx Variant Classification (06012015). Collection method: clinical testing. Allele origin: germline. Affected: yes.
Comment: This variant is considered likely benign or benign based on one or more of the following criteria: it is a conservative change, it occurs at a poorly conserved position in the protein, it is predicted to be benign by multiple in silico algorithms, and/or has population frequency not consistent with disease.

BRCAlab, Lund University
Classification: Uncertain significance for Breast-ovarian cancer, familial, susceptibility to, 1. Last evaluated: 2020-03-02. Review status: no assertion criteria provided. Collection method: clinical testing. Allele origin: germline. Affected: yes. Not counted in ClinVar's aggregate classification.

Literature cited by the submitters: PubMed 29458332 (cited by 3 submitters); PubMed 36833189 (cited by 3 submitters); PubMed 37085799 (cited by All of Us Research Program, National Institutes of Health and Color Diagnostics, LLC DBA Color Health); PubMed 34981296 (cited by Labcorp Genetics (formerly Invitae), Labcorp).

NM_007294.4(BRCA1):c.4315C>T (p.Leu1439Phe)

Gene: BRCA1 (BRCA1 DNA repair associated; minus strand). Cytogenetic location: 17q21.31.
Variant type: single nucleotide variant.
Coding change: c.4315C>T on transcript NM_007294.4 (MANE Select); coding-DNA position 4315, C replaced by T.
Protein change: p.Leu1439Phe; replaces leucine 1439 with phenylalanine.
Molecular consequence: missense variant. On other transcripts: non-coding transcript variant (1).
Genome position (GRCh38, 1-based): chr17:43,082,446, G>A on the plus strand (C>T on the coding strand, the complement: BRCA1 is on the minus strand). VCF-style: chr17-43082446-G-A. GRCh37 (hg19) VCF-style: chr17-41234463-G-A.
Other names: c.4102C>T, p.Leu1368Phe (NM_001407571.1, NM_001407907.1, NM_001407908.1 and 12 more transcripts); c.4315C>T, p.Leu1439Phe (NM_001407581.1, NM_001407582.1, NM_001407583.1 and 23 more transcripts); c.4312C>T, p.Leu1438Phe (NM_001407587.1, NM_001407590.1, NM_001407591.1 and 21 more transcripts); c.3982C>T, p.Leu1328Phe (NM_001407951.1, NM_001407947.1, NM_001407948.1 and 3 more transcripts); c.3979C>T, p.Leu1327Phe (NM_001407952.1, NM_001407953.1, NM_001407954.1 and 3 more transcripts); c.3427C>T, p.Leu1143Phe (NM_001407967.1, NM_001407966.1); c.1711C>T, p.Leu571Phe (NM_001407968.1); c.1708C>T, p.Leu570Phe (NM_001407969.1); and 51 more; short protein forms L1439F, L336F, L1392F, L1143F, L1397F, L1398F, L1412F, L1413F.
Identifiers: ClinVar variation 216668 (VCV000216668.22), dbSNP rs781260818, ClinGen allele CA059903.